The following is an entry in ClinVar:

NM_170606.3(KMT2C):c.7442+1G>A

Gene: KMT2C (lysine methyltransferase 2C; minus strand). Cytogenetic location: 7q36.1.
Variant type: single nucleotide variant.
Coding change: c.7442+1G>A on transcript NM_170606.3 (MANE Select); the canonical splice donor site of the intron after coding-DNA position 7442, G replaced by A.
Molecular consequence: splice donor variant.
Genome position (GRCh38, 1-based): chr7:152,179,833, C>T on the plus strand (G>A on the coding strand, the complement: KMT2C is on the minus strand). VCF-style: chr7-152179833-C-T. GRCh37 (hg19) VCF-style: chr7-151876918-C-T.
Identifiers: ClinVar variation 5007184 (VCV005007184.2).

ClinVar aggregate classification (germline): Uncertain significance (1 of 4 stars; one submission).

Conditions:
Kleefstra syndrome 2 (KLEFS2). Identifiers: MedGen C4540395, MONDO:0054701, OMIM 617768.

Submission:

Juno Genomics, Hangzhou Juno Genomics, Inc
Classification: Uncertain significance for Kleefstra syndrome 2. Review status: criteria provided, single submitter. Criteria: ACMG Guidelines, 2015. Collection method: clinical testing. Allele origin: germline.
Comment: Null variant in a gene where loss of function (LOF) is a known mechanism of disease.;Absent from controls (or at extremely low frequency if recessive) in Genome Aggregation Database.